The following is an entry in ClinVar:

ClinVar aggregate classification (germline): Likely pathogenic (1 of 4 stars; one submission).

Conditions:
Neurodevelopmental disorder with hypotonia, language delay, and skeletal defects with or without seizures (NEDHLSS). Identifiers: MedGen C5774213, MONDO:0859286, OMIM 620029.

Submission:

Victorian Clinical Genetics Services, Murdoch Childrens Research Institute
Classification: Likely pathogenic for Neurodevelopmental disorder with hypotonia, language delay, and skeletal defects with or without seizures. Last evaluated: 2023-07-17. Review status: criteria provided, single submitter. Criteria: ACMG Guidelines, 2015. Collection method: clinical testing. Allele origin: germline. Inheritance: Autosomal dominant inheritance. Affected: yes.
Comment: Based on the classification scheme VCGS_Germline_v1.3.4, this variant is classified as Likely pathogenic. Following criteria are met: 0103 - Loss of function and gain of function are known mechanisms of disease in this gene. Loss-of-function variants are associated with neurodevelopmental disorder with hypotonia, language delay, and skeletal defects with or without seizures, AD (MIM#620029) (PMID: 34163037). Gain-of-function missense variants result in loss of channel inactivation and increased current, and are associated with long QT syndrome 8 (MIM#618447) and Timothy syndrome (MIM#601005, PMID: 25260352). (I) 0107 - This gene is associated with autosomal dominant disease. (I) 0115 - Variants in this gene are known to have variable expressivity. Parents with the same variant as their affected child have been observed to have a less severe phenotype (PMID: 34163037). (I) 0200 - Variant is predicted to result in a missense amino acid change from leucine to tryptophan. (I) 0251 - This variant is heterozygous. (I) 0301 - Variant is absent from gnomAD (both v2 and v3). (SP) 0501 - Missense variant consistently predicted to be damaging by multiple in silico tools or highly conserved with a major amino acid change. (SP) 0600 - Variant is located in the annotated ion transport domain repeat IV (PMID: 34163037). (I) 0705 - No comparable missense variants have previous evidence for pathogenicity. (I) 0807 - This variant has no previous evidence of pathogenicity. (I) 0905 - No published segregation evidence has been identified for this variant. (I) 1007 - No published functional evidence has been identified for this variant. (SP) Legend: (SP) - Supporting pathogenic, (I) - Information, (SB) - Supporting benign

Literature cited by the submitters: PubMed 25260352; PubMed 34163037.

NM_000719.7(CACNA1C):c.3866T>G (p.Leu1289Trp)

Gene: CACNA1C (calcium voltage-gated channel subunit alpha1 C; plus strand). Cytogenetic location: 12p13.33.
Variant type: single nucleotide variant.
Coding change: c.3866T>G on transcript NM_000719.7 (MANE Select); coding-DNA position 3866, T replaced by G.
Protein change: p.Leu1289Trp; replaces leucine 1289 with tryptophan.
Molecular consequence: missense variant. On other transcripts: intron variant (6).
Genome position (GRCh38, 1-based): chr12:2,634,334, T>G. VCF-style: chr12-2634334-T-G. GRCh37 (hg19) VCF-style: chr12-2743500-T-G.
Other names: c.4010T>G, p.Leu1337Trp (NM_001129827.2, NM_199460.4); c.3866T>G, p.Leu1289Trp (NM_001129829.2, NM_001129830.3, NM_001129834.2 and 8 more transcripts); c.3950T>G, p.Leu1317Trp (NM_001129831.2, NM_001129836.2); c.3926T>G, p.Leu1309Trp (NM_001129832.2); c.3912+622T>G (NM_001167624.3, NM_001167623.2, NM_001129833.2 and 2 more transcripts); c.3903+622T>G (NM_001129844.2); short protein forms L1289W, L1309W, L1317W, L1337W.
Identifiers: ClinVar variation 1699326 (VCV001699326.3), dbSNP rs2153572497, ClinGen allele CA383380204.